The following is an entry in ClinVar:

NM_000361.3(THBD):c.371G>C (p.Arg124Pro)

Gene: THBD (thrombomodulin; minus strand). Cytogenetic location: 20p11.21.
Variant type: single nucleotide variant.
Coding change: c.371G>C on transcript NM_000361.3 (MANE Select); coding-DNA position 371, G replaced by C.
Protein change: p.Arg124Pro; replaces arginine 124 with proline.
Molecular consequence: missense variant.
Genome position (GRCh38, 1-based): chr20:23,049,134, C>G on the plus strand (G>C on the coding strand, the complement: THBD is on the minus strand). VCF-style: chr20-23049134-C-G. GRCh37 (hg19) VCF-style: chr20-23029771-C-G.
Other names: p.Arg124Pro; short protein forms R124P.
Identifiers: ClinVar variation 2683535 (VCV002683535.1), dbSNP rs779075882, ClinGen allele CA9787744.

ClinVar aggregate classification (germline): Uncertain significance (1 of 4 stars; one submission).

Allele frequency attached by ClinVar (database versions not stated): gnomAD exomes below 0.00001; gnomAD 0.00001; ExAC 0.00003.

Submission:

Mayo Clinic Laboratories, Mayo Clinic
Classification: Uncertain significance. Last evaluated: 2022-04-11. Review status: criteria provided, single submitter. Criteria: ACMG Guidelines, 2015. Collection method: clinical testing. Allele origin: germline. Observed: 1 variant allele.
Comment: BP4